The following is an entry in ClinVar:

NM_001365276.2(TNXB):c.705C>T (p.Cys235=)

Gene: TNXB (tenascin XB; minus strand). Cytogenetic location: 6p21.33.
Variant type: single nucleotide variant.
Coding change: c.705C>T on transcript NM_001365276.2 (MANE Select); coding-DNA position 705, C replaced by T.
Protein change: p.Cys235=; no amino-acid change (cysteine 235 retained).
Molecular consequence: synonymous variant.
Genome position (GRCh38, 1-based): chr6:32,097,148, G>A on the plus strand (C>T on the coding strand, the complement: TNXB is on the minus strand). VCF-style: chr6-32097148-G-A. GRCh37 (hg19) VCF-style: chr6-32064925-G-A.
Other names: c.705C>T, p.Cys235= (NM_001428335.1, NM_019105.8).
Identifiers: ClinVar variation 4535851 (VCV004535851.1).
Genomic context (GRCh38, chr6:32,097,148, plus strand): 5'-CTGGCTGCAACCTCGAGGGCAGGAGCGCTGGCTGCAGTCGGGGCCTGAGAAGCCTGCCCG[G>A]CACACACACACGCCCTGCACGCAGCGCCCACGGCCTTGGCAGTCCCCGGGACAGGATGGC-3'
Protein context (NP_001352205.1, residues 225-245): RGRCVQGVCV[Cys235=]RAGFSGPDCS

ClinVar aggregate classification (germline): Likely benign (1 of 4 stars; one submission).

gnomAD v4.1: 1 of 1,600,328 alleles (0.000062%); highest among the groups gnomAD compares: Non-Finnish European, 0.000085%; no homozygotes.

Submission:

Women's Health and Genetics/Laboratory Corporation of America, LabCorp
Classification: Likely benign. Last evaluated: 2025-09-03. Review status: criteria provided, single submitter. Criteria: LabCorp Variant Classification Summary - May 2015. Collection method: clinical testing. Allele origin: germline.
Comment: Variant summary: TNXB c.705C>T alters a conserved nucleotide resulting in a synonymous change. Consensus agreement among computation tools predict no significant impact on normal splicing. However, these predictions have yet to be confirmed by functional studies. The variant was absent in 252620 control chromosomes. The available data on variant occurrences in the general population are insufficient to allow any conclusion about variant significance. To our knowledge, no occurrence of c.705C>T in individuals affected with TNXB-related conditions and no experimental evidence demonstrating its impact on protein function have been reported. No submitters have cited clinical-significance assessments for this variant to ClinVar. Based on the evidence outlined above, the variant was classified as likely benign.